The following is an entry in ClinVar:

NM_004599.4(SREBF2):c.1866C>T (p.Asn622=)

Gene: SREBF2 (sterol regulatory element binding transcription factor 2; plus strand). Cytogenetic location: 22q13.2.
Variant type: single nucleotide variant.
Coding change: c.1866C>T on transcript NM_004599.4 (MANE Select); coding-DNA position 1866, C replaced by T.
Protein change: p.Asn622=; no amino-acid change (asparagine 622 retained).
Molecular consequence: synonymous variant. On other transcripts: non-coding transcript variant (1).
Genome position (GRCh38, 1-based): chr22:41,880,820, C>T. VCF-style: chr22-41880820-C-T. GRCh37 (hg19) VCF-style: chr22-42276824-C-T.
Identifiers: ClinVar variation 3051700 (VCV003051700.2), dbSNP rs141892188, ClinGen allele CA10261775.
Genomic context (GRCh38, chr22:41,880,820, plus strand): 5'-AGTTTTGGGCCGGGCACTGCCCACCTCCCGCCTGGACCTGGCCTGCAGCCTCTCCTGGAA[C>T]GTGATCCGCTACAGCCTGCAGAAGCTACGCCTGGTGCGCTGGCTGCTCAAGAAAGTCTTC-3'
Protein context (NP_004590.2, residues 612-632): RLDLACSLSW[Asn622=]VIRYSLQKLR

ClinVar aggregate classification (germline): Likely benign (0 of 4 stars; one submission).

Conditions:
SREBF2-related disorder. Also called: SREBF2-related condiiton.

Allele frequency attached by ClinVar (database versions not stated): gnomAD exomes 0.00001; TOPMed 0.00001; ExAC 0.00003; gnomAD 0.00003; ESP Exome Variant Server 0.00008.
gnomAD v4.1: 27 of 1,614,056 alleles (0.0017%); highest among the groups gnomAD compares: Middle Eastern, 0.016%; no homozygotes.

Submission:

PreventionGenetics, part of Exact Sciences
Classification: Likely benign for SREBF2-related condition. Last evaluated: 2020-01-12. Review status: no assertion criteria provided. Collection method: clinical testing. Allele origin: germline.
Comment: This variant is classified as likely benign based on ACMG/AMP sequence variant interpretation guidelines (Richards et al. 2015 PMID: 25741868, with internal and published modifications).